The following is an entry in ClinVar:

NM_001854.4(COL11A1):c.3845G>A (p.Gly1282Glu)

Gene: COL11A1 (collagen type XI alpha 1 chain; minus strand). Cytogenetic location: 1p21.1.
Variant type: single nucleotide variant.
Coding change: c.3845G>A on transcript NM_001854.4 (MANE Select); coding-DNA position 3845, G replaced by A.
Protein change: p.Gly1282Glu; replaces glycine 1282 with glutamic acid.
Molecular consequence: missense variant. On other transcripts: non-coding transcript variant (1).
Genome position (GRCh38, 1-based): chr1:102,914,783, C>T on the plus strand (G>A on the coding strand, the complement: COL11A1 is on the minus strand). VCF-style: chr1-102914783-C-T. GRCh37 (hg19) VCF-style: chr1-103380339-C-T.
Other names: c.3497G>A, p.Gly1166Glu (NM_080630.4); c.3728G>A, p.Gly1243Glu (NM_001190709.2); c.3881G>A, p.Gly1294Glu (NM_080629.3); short protein forms G1243E, G1282E, G1294E, G1166E.
Identifiers: ClinVar variation 3655742 (VCV003655742.2).

ClinVar aggregate classification (germline): Uncertain significance (1 of 4 stars; one submission).

Submission:

Labcorp Genetics (formerly Invitae), Labcorp
Classification: Uncertain significance. Last evaluated: 2024-06-12. Review status: criteria provided, single submitter. Criteria: Invitae Variant Classification Sherloc (09022015). Collection method: clinical testing. Allele origin: germline.
Comment: This sequence change replaces glycine, which is neutral and non-polar, with glutamic acid, which is acidic and polar, at codon 1282 of the COL11A1 protein (p.Gly1282Glu). This variant is not present in population databases (gnomAD no frequency). This variant has not been reported in the literature in individuals affected with COL11A1-related conditions. Advanced modeling of protein sequence and biophysical properties (such as structural, functional, and spatial information, amino acid conservation, physicochemical variation, residue mobility, and thermodynamic stability) has been performed at Invitae for this missense variant, however the output from this modeling did not meet the statistical confidence thresholds required to predict the impact of this variant on COL11A1 protein function. In summary, the available evidence is currently insufficient to determine the role of this variant in disease. Therefore, it has been classified as a Variant of Uncertain Significance.